The following is an entry in ClinVar:

ClinVar aggregate classification (germline): Uncertain significance. Review status: criteria provided, multiple submitters, no conflicts (2 of 4 stars). 4 submissions from 4 submitters: Uncertain significance (4). Last evaluated 2024-08-05.

Conditions:
Inborn genetic diseases. Identifiers: MedGen C0950123, MeSH D030342.

Allele frequency attached by ClinVar (database versions not stated): gnomAD 0.00005; gnomAD exomes 0.00006 and 0.00003; TOPMed 0.00006; ExAC 0.00002.
gnomAD v4.1: 67 of 1,613,964 alleles (0.0042%); highest among the groups gnomAD compares: Admixed American, 0.0017%; no homozygotes.

Submissions (5):

Labcorp Genetics (formerly Invitae), Labcorp
Classification: Uncertain significance. Last evaluated: 2024-08-05. Review status: criteria provided, single submitter. Criteria: Invitae Variant Classification Sherloc (09022015). Collection method: clinical testing. Allele origin: germline.
Comment: This sequence change replaces asparagine, which is neutral and polar, with serine, which is neutral and polar, at codon 100 of the VPS33B protein (p.Asn100Ser). This variant is present in population databases (rs750764857, gnomAD 0.1%). This variant has not been reported in the literature in individuals affected with VPS33B-related conditions. ClinVar contains an entry for this variant (Variation ID: 498825). Advanced modeling of protein sequence and biophysical properties (such as structural, functional, and spatial information, amino acid conservation, physicochemical variation, residue mobility, and thermodynamic stability) performed at Invitae indicates that this missense variant is not expected to disrupt VPS33B protein function with a negative predictive value of 80%. In summary, the available evidence is currently insufficient to determine the role of this variant in disease. Therefore, it has been classified as a Variant of Uncertain Significance.

Ambry Genetics
Classification: Uncertain significance for Inborn genetic diseases. Last evaluated: 2023-04-07. Review status: criteria provided, single submitter. Criteria: Ambry Variant Classification Scheme 2023. Collection method: clinical testing. Allele origin: germline.

GeneDx
Classification: Uncertain significance. Last evaluated: 2019-10-16. Review status: criteria provided, single submitter. Criteria: GeneDx Variant Classification Process June 2021. Collection method: clinical testing. Allele origin: germline. Affected: yes.
Comment: In silico analysis, which includes protein predictors and evolutionary conservation, supports that this variant does not alter protein structure/function; Has not been previously published as pathogenic or benign to our knowledge

Eurofins Ntd Llc (ga)
Classification: Uncertain significance. Last evaluated: 2016-11-23. Review status: criteria provided, single submitter. Criteria: EGL Classification Definitions 2015. Collection method: clinical testing. Allele origin: germline. Observed: 1 variant allele, 1 heterozygote.

Dr. Peter K. Rogan Lab, Western University
No classification provided (evidence only). Condition: Thyroid cancer, nonmedullary, 1. Review status: no classification provided. Collection method: in vitro. Allele origin: not applicable. Functional consequence: retained intron. Not counted in ClinVar's aggregate classification.

NM_018668.5(VPS33B):c.299A>G (p.Asn100Ser)

Gene: VPS33B (VPS33B late endosome and lysosome associated; minus strand). Cytogenetic location: 15q26.1.
Variant type: single nucleotide variant.
Coding change: c.299A>G on transcript NM_018668.5 (MANE Select); coding-DNA position 299, A replaced by G.
Protein change: p.Asn100Ser; replaces asparagine 100 with serine.
Molecular consequence: missense variant.
Genome position (GRCh38, 1-based): chr15:91,013,862, T>C on the plus strand (A>G on the coding strand, the complement: VPS33B is on the minus strand). VCF-style: chr15-91013862-T-C. GRCh37 (hg19) VCF-style: chr15-91557092-T-C.
Other names: c.218A>G, p.Asn73Ser (NM_001289148.1); c.26A>G, p.Asn9Ser (NM_001289149.1); short protein forms N100S, N9S, N73S.
Identifiers: ClinVar variation 498825 (VCV000498825.11), dbSNP rs750764857, ClinGen allele CA7745115.